The following is an entry in ClinVar:

NM_000551.4(VHL):c.224T>G (p.Ile75Ser)

Gene: VHL (von Hippel-Lindau tumor suppressor; plus strand). Cytogenetic location: 3p25.3.
Variant type: single nucleotide variant.
Coding change: c.224T>G on transcript NM_000551.4 (MANE Select); coding-DNA position 224, T replaced by G.
Protein change: p.Ile75Ser; replaces isoleucine 75 with serine.
Molecular consequence: missense variant.
Genome position (GRCh38, 1-based): chr3:10,142,071, T>G. VCF-style: chr3-10142071-T-G. GRCh37 (hg19) VCF-style: chr3-10183755-T-G.
Other names: c.224T>G, p.Ile75Ser (NM_198156.3, NM_001354723.2); short protein forms I75S.
Identifiers: ClinVar variation 420073 (VCV000420073.12), dbSNP rs1064794271, ClinGen allele CA16617787.

ClinVar aggregate classification (germline): Pathogenic/Likely pathogenic. Review status: criteria provided, multiple submitters, no conflicts (2 of 4 stars). 4 submissions from 4 submitters: Pathogenic (1); Likely pathogenic (2). 1 of the submissions does not count toward it. Last evaluated 2024-04-04.

Conditions:
Chuvash polycythemia. Also called: POLYCYTHEMIA, VHL-DEPENDENT. Identifiers: Orphanet 238557, MedGen C1837915, MONDO:0009892, OMIM 263400.
Von Hippel-Lindau syndrome (VHLS). Also called: VHL syndrome; Von Hippel-Lindau; von Hippel–Lindau syndrome. Identifiers: Orphanet 892, MedGen C0019562, MONDO:0008667, OMIM 193300. Disease mechanism: loss of function.
Hereditary cancer-predisposing syndrome. Also called: Hereditary neoplastic syndrome; Hereditary Cancer Syndrome; Neoplastic Syndromes, Hereditary; Tumor predisposition. Identifiers: Orphanet 140162, MedGen C0027672, MeSH D009386, MONDO:0015356.

Submissions (4):

Labcorp Genetics (formerly Invitae), Labcorp
Classification: Likely pathogenic for Von Hippel-Lindau syndrome; Chuvash polycythemia. Last evaluated: 2024-04-04. Review status: criteria provided, single submitter. Criteria: Invitae Variant Classification Sherloc (09022015). Collection method: clinical testing. Allele origin: germline.
Comment: This sequence change replaces isoleucine, which is neutral and non-polar, with serine, which is neutral and polar, at codon 75 of the VHL protein (p.Ile75Ser). This variant is not present in population databases (gnomAD no frequency). This missense change has been observed in individuals with clinical features of von-Hippel Lindau syndrome (PMID: 17024664; Invitae; external communication). ClinVar contains an entry for this variant (Variation ID: 420073). Advanced modeling of protein sequence and biophysical properties (such as structural, functional, and spatial information, amino acid conservation, physicochemical variation, residue mobility, and thermodynamic stability) performed at Invitae indicates that this missense variant is expected to disrupt VHL protein function with a positive predictive value of 95%. In summary, the currently available evidence indicates that the variant is pathogenic, but additional data are needed to prove that conclusively. Therefore, this variant has been classified as Likely Pathogenic.

Ambry Genetics
Classification: Pathogenic for Hereditary cancer-predisposing syndrome. Last evaluated: 2024-03-28. Review status: criteria provided, single submitter. Criteria: Ambry Variant Classification Scheme 2023. Collection method: clinical testing. Allele origin: germline.
Comment: The p.I75S variant (also known as c.224T>G), located in coding exon 1 of the VHL gene, results from a T to G substitution at nucleotide position 224. The isoleucine at codon 75 is replaced by serine, an amino acid with dissimilar properties. This amino acid position is highly conserved in available vertebrate species. Based on internal structural analysis, this variant is anticipated to result in a significant decrease in structural stability (Huang J et al. Nature. 2012 Feb;482:542-6). This variant has been observed in at least one individual with a personal and/or family history that is consistent with von Hippel-Lindau syndrome (Ambry internal data, external communication, Ong KR et al. Hum Mutat 2007 Feb;28(2):143-9 ). In addition, this alteration is predicted to be deleterious by in silico analysis. Based on the supporting evidence, this alteration is interpreted as a disease-causing mutation.

GeneDx
Classification: Likely pathogenic. Last evaluated: 2021-02-02. Review status: criteria provided, single submitter. Criteria: GeneDx Variant Classification Process June 2021. Collection method: clinical testing. Allele origin: germline. Affected: yes.
Comment: Not observed in large population cohorts (Lek 2016); In silico analysis supports that this missense variant has a deleterious effect on protein structure/function; In silico analysis, which includes splice predictors and evolutionary conservation, suggests this variant may impact gene splicing. In the absence of RNA/functional studies, the actual effect of this sequence change is unknown.; This variant is associated with the following publications: (PMID: 17024664)

Genomic Diagnostic Laboratory, Division of Genomic Diagnostics, Children's Hospital of Philadelphia
Classification: Uncertain significance for von Hippel-Lindau syndrome. Last evaluated: 2018-08-01. Review status: flagged submission. Criteria: DGD Variant Analysis Guidelines. Collection method: clinical testing. Allele origin: germline. Affected: yes. Observed: 2 variant alleles. Not counted in ClinVar's aggregate classification.
ClinVar note: Reason: Outlier claim with insufficient supporting evidence

Literature cited by the submitters: PubMed 17024664 (cited by Labcorp Genetics (formerly Invitae), Labcorp).